The following is an entry in ClinVar:

ClinVar aggregate classification (germline): Uncertain significance (1 of 4 stars; one submission).

Submission:

Labcorp Genetics (formerly Invitae), Labcorp
Classification: Uncertain significance. Last evaluated: 2022-02-28. Review status: criteria provided, single submitter. Criteria: Invitae Variant Classification Sherloc (09022015). Collection method: clinical testing. Allele origin: germline.
Comment: Algorithms developed to predict the effect of missense changes on protein structure and function (SIFT, PolyPhen-2, Align-GVGD) all suggest that this variant is likely to be tolerated. This variant has not been reported in the literature in individuals affected with PCGF2-related conditions. This variant is not present in population databases (gnomAD no frequency). This sequence change replaces aspartic acid, which is acidic and polar, with glutamic acid, which is acidic and polar, at codon 89 of the PCGF2 protein (p.Asp89Glu). Algorithms developed to predict the effect of sequence changes on RNA splicing suggest that this variant may create or strengthen a splice site. In summary, the available evidence is currently insufficient to determine the role of this variant in disease. Therefore, it has been classified as a Variant of Uncertain Significance.

NM_007144.3(PCGF2):c.267T>A (p.Asp89Glu)

Gene: PCGF2 (polycomb group ring finger 2; minus strand). Cytogenetic location: 17q12.
Variant type: single nucleotide variant.
Coding change: c.267T>A on transcript NM_007144.3 (MANE Select); coding-DNA position 267, T replaced by A.
Protein change: p.Asp89Glu; replaces aspartic acid 89 with glutamic acid.
Molecular consequence: missense variant.
Genome position (GRCh38, 1-based): chr17:38,739,117, A>T on the plus strand (T>A on the coding strand, the complement: PCGF2 is on the minus strand). VCF-style: chr17-38739117-A-T. GRCh37 (hg19) VCF-style: chr17-36895370-A-T.
Other names: c.267T>A, p.Asp89Glu (NM_001369614.1, NM_001369615.1); short protein forms D89E.
Identifiers: ClinVar variation 2420764 (VCV002420764.6), dbSNP rs780159639, ClinGen allele CA398822237.